The following is an entry in ClinVar:

ClinVar aggregate classification (germline): Uncertain significance. Review status: criteria provided, multiple submitters, no conflicts (2 of 4 stars). 4 submissions from 3 submitters: Uncertain significance (2). 2 of the submissions do not count toward it. Last evaluated 2025-12-04.

Conditions:
Hypohidrotic ectodermal dysplasia (HED). Identifiers: Orphanet 238468, MedGen C5848103, MONDO:0016535, HP:0007607.
Inborn genetic diseases. Identifiers: MedGen C0950123, MeSH D030342.

Allele frequency attached by ClinVar (database versions not stated): gnomAD 0.00001 and 0.00003; gnomAD exomes 0.00002; 1000 Genomes Project 30x 0.00016; ExAC 0.00002.

Submissions (4):

Ambry Genetics
Classification: Uncertain significance for Inborn genetic diseases. Last evaluated: 2025-12-04. Review status: criteria provided, single submitter. Criteria: Ambry Variant Classification Scheme 2023. Collection method: clinical testing. Allele origin: germline.

Illumina Laboratory Services, Illumina
Classification: Uncertain significance for Hypohidrotic ectodermal dysplasia. Last evaluated: 2018-01-13. Review status: criteria provided, single submitter. Criteria: ICSL Variant Classification Criteria 13 December 2019. Collection method: clinical testing. Allele origin: germline.

Richard Lifton Laboratory, Yale University School of Medicine
Classification: Uncertain significance. Review status: no assertion criteria provided. Collection method: not provided. Allele origin: somatic. Not counted in ClinVar's aggregate classification.
Comment: EDARADD:p.R196H
ClinVar note: Converted during submission from unknown to Uncertain significance.

Richard Lifton Laboratory, Yale University School of Medicine
Classification: Uncertain significance. Review status: flagged submission. Collection method: not provided. Allele origin: somatic. Not counted in ClinVar's aggregate classification.
ClinVar note: Converted during submission from unknown to Uncertain significance.
ClinVar note: Reason: This record appears to be redundant with a more recent record from the same submitter.
ClinVar note: Notes: SCV000120115 appears to be redundant with SCV000155219.

NM_145861.4(EDARADD):c.587G>A (p.Arg196His)

Gene: EDARADD (EDAR associated via death domain; plus strand). Cytogenetic location: 1q43.
Variant type: single nucleotide variant.
Coding change: c.587G>A on transcript NM_145861.4 (MANE Select); coding-DNA position 587, G replaced by A.
Protein change: p.Arg196His; replaces arginine 196 with histidine.
Molecular consequence: missense variant.
Genome position (GRCh38, 1-based): chr1:236,482,588, G>A. VCF-style: chr1-236482588-G-A. GRCh37 (hg19) VCF-style: chr1-236645888-G-A.
Other names: c.521G>A, p.Arg174His (NM_001422628.1); c.557G>A, p.Arg186His (NM_080738.5); short protein forms R196H, R186H, R174H.
Identifiers: ClinVar variation 100890 (VCV000100890.7), dbSNP rs483352767, ClinGen allele CA019435.